The following is an entry in ClinVar:

NM_001242896.3(DEPDC5):c.2425C>T (p.Gln809Ter)

Gene: DEPDC5 (DEP domain containing 5, GATOR1 subcomplex subunit; plus strand). Cytogenetic location: 22q12.3.
Variant type: single nucleotide variant.
Coding change: c.2425C>T on transcript NM_001242896.3 (MANE Select); coding-DNA position 2425, C replaced by T.
Protein change: p.Gln809Ter; replaces glutamine 809 with a stop codon.
Molecular consequence: nonsense. On other transcripts: non-coding transcript variant (5).
Genome position (GRCh38, 1-based): chr22:31,838,755, C>T. VCF-style: chr22-31838755-C-T. GRCh37 (hg19) VCF-style: chr22-32234741-C-T.
Other names: c.2398C>T, p.Gln800Ter (NM_001136029.4, NM_001369903.1, NM_014662.6); c.2191C>T, p.Gln731Ter (NM_001242897.2, NM_001363854.2, NM_001364319.2); c.2425C>T, p.Gln809Ter (NM_001363852.2, NM_001364318.2, NM_001364320.2); c.2341C>T, p.Gln781Ter (NM_001369901.1, NM_001369902.1); short protein forms Q731*, Q781*, Q800*, Q809*.
Identifiers: ClinVar variation 4819692 (VCV004819692.1).

ClinVar aggregate classification (germline): Likely pathogenic (1 of 4 stars; one submission).

Conditions:
Epilepsy, familial focal, with variable foci 1 (FFEVF1). Also called: DEPDC5-Related Epilepsy. Identifiers: MedGen C4551983, MONDO:0024556, OMIM 604364.

Submission:

Division of Genetic & Genomic Pathology, Hong Kong Children's Hospital
Classification: Likely pathogenic for Epilepsy, familial focal, with variable foci 1. Last evaluated: 2024-11-08. Review status: criteria provided, single submitter. Criteria: ACMG Guidelines, 2015. Collection method: clinical testing. Allele origin: germline. Affected: yes.
Comment: DEPDC5 c.2425C>T p.(Gln809Ter) is a nonsense variant located in exon 27 out of 43 coding exons of the DEPDC5 gene. This variant is predicted to cause loss of normal protein function either by protein truncation or nonsense-mediated mRNA decay. It is absent from population controls (gnomAD v2.1.1 and v4.1.0), and is not reported in clinical databases (ClinVar, Human Gene Mutation Database v2024.2). Loss-of-function variants in DEPDC5 are known to be disease-causing (PMID: 23542697, 23542701). For these reasons, DEPDC5 c.2425C>T is classified as likely pathogenic.

Literature cited by the submitters: PubMed 23542697; PubMed 23542701.